The following is an entry in ClinVar:

ClinVar aggregate classification (germline): Uncertain significance (1 of 4 stars; one submission).

Submission:

Labcorp Genetics (formerly Invitae), Labcorp
Classification: Uncertain significance. Last evaluated: 2024-05-27. Review status: criteria provided, single submitter. Criteria: Invitae Variant Classification Sherloc (09022015). Collection method: clinical testing. Allele origin: germline.
Comment: This sequence change creates a premature translational stop signal (p.Tyr768*) in the SLC7A14 gene. While this is not anticipated to result in nonsense mediated decay, it is expected to disrupt the last 4 amino acid(s) of the SLC7A14 protein. This variant is not present in population databases (gnomAD no frequency). This variant has not been reported in the literature in individuals affected with SLC7A14-related conditions. Experimental studies and prediction algorithms are not available or were not evaluated, and the functional significance of this variant is currently unknown. In summary, the available evidence is currently insufficient to determine the role of this variant in disease. Therefore, it has been classified as a Variant of Uncertain Significance.

NM_020949.3(SLC7A14):c.2304_2312del (p.Tyr768_Glu771delinsTer)

Gene: SLC7A14 (solute carrier family 7 member 14; minus strand). Cytogenetic location: 3q26.2.
Variant type: Deletion.
Coding change: c.2304_2312del on transcript NM_020949.3 (MANE Select); coding-DNA positions 2304 to 2312, 9 bases deleted (CTCTCCAGA; older notation c.2304_2312delCTCTCCAGA).
Protein change: p.Tyr768_Glu771delinsTer.
Molecular consequence: nonsense.
Genome position (GRCh38, 1-based): chr3:170,467,059-170,467,067, TCTGGAGAG deleted on the plus strand (CTCTCCAGA on the coding strand, the reverse complement: SLC7A14 is on the minus strand); deleting any 9 consecutive bases within chr3:170,467,059-170,467,068 gives the same sequence; the c. name uses the placement nearest the transcript's 3' end. VCF-style (leftmost placement, unchanged base first): chr3-170467058-CTCTGGAGAG-C. GRCh37 (hg19) VCF-style: chr3-170184846-CTCTGGAGAG-C.
Identifiers: ClinVar variation 3654806 (VCV003654806.2).